The following is an entry in ClinVar:

ClinVar aggregate classification (germline): Uncertain significance (1 of 4 stars; one submission).

Submission:

Labcorp Genetics (formerly Invitae), Labcorp
Classification: Uncertain significance. Last evaluated: 2025-05-04. Review status: criteria provided, single submitter. Criteria: Invitae Variant Classification Sherloc (09022015). Collection method: clinical testing. Allele origin: germline.
Comment: This sequence change replaces valine, which is neutral and non-polar, with aspartic acid, which is acidic and polar, at codon 310 of the LEMD3 protein (p.Val310Asp). This variant is not present in population databases (gnomAD no frequency). This variant has not been reported in the literature in individuals affected with LEMD3-related conditions. Invitae Evidence Modeling of protein sequence and biophysical properties (such as structural, functional, and spatial information, amino acid conservation, physicochemical variation, residue mobility, and thermodynamic stability) indicates that this missense variant is not expected to disrupt LEMD3 protein function with a negative predictive value of 80%. In summary, the available evidence is currently insufficient to determine the role of this variant in disease. Therefore, it has been classified as a Variant of Uncertain Significance.

NM_014319.5(LEMD3):c.929T>A (p.Val310Asp)

Gene: LEMD3 (LEM domain containing 3; plus strand). Cytogenetic location: 12q14.3.
Variant type: single nucleotide variant.
Coding change: c.929T>A on transcript NM_014319.5 (MANE Select); coding-DNA position 929, T replaced by A.
Protein change: p.Val310Asp; replaces valine 310 with aspartic acid.
Molecular consequence: missense variant.
Genome position (GRCh38, 1-based): chr12:65,170,525, T>A. VCF-style: chr12-65170525-T-A. GRCh37 (hg19) VCF-style: chr12-65564305-T-A.
Other names: c.929T>A, p.Val310Asp (NM_001167614.2); short protein forms V310D.
Identifiers: ClinVar variation 4740579 (VCV004740579.1).